The following is an entry in ClinVar:

NM_001206999.2(CIT):c.197C>T (p.Ala66Val)

Genes: CIT (citron rho-interacting serine/threonine kinase; minus strand), LOC126861657 (MED14-independent group 3 enhancer GRCh37_chr12:120306702-120307901; plus strand). Cytogenetic location: 12q24.23.
Variant type: single nucleotide variant.
Coding change: c.197C>T on transcript NM_001206999.2 (MANE Select); coding-DNA position 197, C replaced by T.
Protein change: p.Ala66Val; replaces alanine 66 with valine.
Molecular consequence: missense variant.
Genome position (GRCh38, 1-based): chr12:119,869,101, G>A on the plus strand (C>T on the coding strand, the complement: CIT is on the minus strand). VCF-style: chr12-119869101-G-A. GRCh37 (hg19) VCF-style: chr12-120306905-G-A.
Other names: c.197C>T, p.Ala66Val (NM_007174.3); short protein forms A66V.
Identifiers: ClinVar variation 2080285 (VCV002080285.2), dbSNP rs1292302401, ClinGen allele CA386550583.

ClinVar aggregate classification (germline): Uncertain significance (1 of 4 stars; one submission).

Allele frequency attached by ClinVar (database versions not stated): gnomAD 0.00001; TOPMed 0.00001.
gnomAD v4.1: 2 of 1,612,240 alleles (0.00012%); highest among the groups gnomAD compares: Non-Finnish European, 0.00017%; no homozygotes.

Submission:

Labcorp Genetics (formerly Invitae), Labcorp
Classification: Uncertain significance. Last evaluated: 2022-08-06. Review status: criteria provided, single submitter. Criteria: Invitae Variant Classification Sherloc (09022015). Collection method: clinical testing. Allele origin: germline.
Comment: In summary, the available evidence is currently insufficient to determine the role of this variant in disease. Therefore, it has been classified as a Variant of Uncertain Significance. Algorithms developed to predict the effect of missense changes on protein structure and function are either unavailable or do not agree on the potential impact of this missense change (SIFT: "Deleterious"; PolyPhen-2: "Benign"; Align-GVGD: "Class C0"). This variant has not been reported in the literature in individuals affected with CIT-related conditions. This variant is not present in population databases (gnomAD no frequency). This sequence change replaces alanine, which is neutral and non-polar, with valine, which is neutral and non-polar, at codon 66 of the CIT protein (p.Ala66Val).